The following is an entry in ClinVar:

NM_000593.6(TAP1):c.2167G>C (p.Gly723Arg)

Genes: PSMB8-AS1 (PSMB8 antisense RNA 1; plus strand), TAP1 (transporter 1, ATP binding cassette subfamily B member; minus strand). Cytogenetic location: 6p21.32.
Variant type: single nucleotide variant.
Coding change: c.2167G>C on transcript NM_000593.6 (MANE Select); coding-DNA position 2167, G replaced by C.
Protein change: p.Gly723Arg; replaces glycine 723 with arginine.
Molecular consequence: missense variant. On other transcripts: non-coding transcript variant (4).
Genome position (GRCh38, 1-based): chr6:32,845,659, C>G on the plus strand (G>C on the coding strand, the complement: TAP1 is on the minus strand). VCF-style: chr6-32845659-C-G. GRCh37 (hg19) VCF-style: chr6-32813436-C-G.
Other names: c.1564G>C, p.Gly522Arg (NM_001292022.2); short protein forms G723R, G522R.
Identifiers: ClinVar variation 1355919 (VCV001355919.7), dbSNP rs768348425, ClinGen allele CA3746566.

ClinVar aggregate classification (germline): Uncertain significance (1 of 4 stars; one submission).

Conditions:
MHC class I deficiency. Identifiers: Orphanet 34592, MedGen C6024714, MONDO:0011476.

Allele frequency attached by ClinVar (database versions not stated): gnomAD 0.00001.
gnomAD v4.1: 34 of 1,612,994 alleles (0.0021%); highest among the groups gnomAD compares: Admixed American, 0.032%; no homozygotes.

Submission:

Labcorp Genetics (formerly Invitae), Labcorp
Classification: Uncertain significance for MHC class I deficiency 1. Last evaluated: 2020-12-10. Review status: criteria provided, single submitter. Criteria: Invitae Variant Classification Sherloc (09022015). Collection method: clinical testing. Allele origin: germline.
Comment: This variant is present in population databases (rs768348425, ExAC 0.07%). This variant has not been reported in the literature in individuals with TAP1-related conditions. This sequence change replaces glycine with arginine at codon 783 of the TAP1 protein (p.Gly783Arg). The glycine residue is weakly conserved and there is a moderate physicochemical difference between glycine and arginine. In summary, the available evidence is currently insufficient to determine the role of this variant in disease. Therefore, it has been classified as a Variant of Uncertain Significance. Algorithms developed to predict the effect of missense changes on protein structure and function output the following: SIFT: "Tolerated"; PolyPhen-2: "Benign"; Align-GVGD: "Class C0". The arginine amino acid residue is found in multiple mammalian species, suggesting that this missense change does not adversely affect protein function. These predictions have not been confirmed by published functional studies and their clinical significance is uncertain.